The following is an entry in ClinVar:

NM_000492.3(CFTR):c.3468+2dup

Genes: CFTR (CF transmembrane conductance regulator; plus strand), CFTR-AS2 (CFTR antisense RNA 2; minus strand). Cytogenetic location: 7q31.2.
Variant type: Duplication.
Coding change: c.3468+2dup on transcript NM_000492.3; the canonical splice donor site of the intron after coding-DNA position 3468, one base duplicated (T; older notation c.3468+2dupT).
Molecular consequence: splice donor variant (on NM_000492.4).
Genome position (GRCh38, 1-based): chr7:117,614,715, T duplicated. VCF-style (leftmost placement, unchanged base first): chr7-117614714-G-GT. GRCh37 (hg19) VCF-style: chr7-117254768-G-GT.
Other names: 3600+ 2insT; c.3468+2dupT (NM_000492.3); c.3468+2dup (NM_000492.4).
Identifiers: ClinVar variation 487380 (VCV000487380.16), dbSNP rs1554392800, ClinGen allele CA658657705.

ClinVar aggregate classification (germline): Pathogenic. Review status: reviewed by expert panel (3 of 4 stars). 8 submissions from 8 submitters: Pathogenic (1). 7 of the submissions do not count toward it. Last evaluated 2017-03-17.

Conditions:
Bronchiectasis with or without elevated sweat chloride 1 (BESC1). Also called: Cystic Fibrosis-Like Syndrome. Identifiers: Orphanet 60033, MedGen C2749757, MONDO:0008887, OMIM 211400.
CFTR-related disorder (CFTR-RD). Also called: CFTR-related disorders; CFTR-related condition. Identifiers: MedGen C5924204, MONDO:7770004.
Cystic fibrosis (CF). Also called: MUCOVISCIDOSIS. Identifiers: Orphanet 586, MedGen C0010674, MONDO:0009061, OMIM 219700. Disease mechanism: loss of function.

Allele frequency attached by ClinVar (database versions not stated): gnomAD exomes below 0.00001.

Submissions (8):

CFTR2
Classification: Pathogenic for Cystic fibrosis. Last evaluated: 2017-03-17. Review status: reviewed by expert panel. Criteria: Sosnay PR et al. (Nat Genet 2013). Collection method: research. Allele origin: germline. Affected: yes. Study: CFTR2.

Ambry Genetics
Classification: Pathogenic for Cystic fibrosis. Last evaluated: 2026-01-20. Review status: criteria provided, single submitter. Criteria: Ambry Variant Classification Scheme 2023. Collection method: clinical testing. Allele origin: germline. Not counted in ClinVar's aggregate classification.
Comment: The c.3468+2dupT intronic variant is located 2 nucleotides after coding exon 21 of the CFTR gene. This variant results from a duplication of one nucleotide at position c.3468+2. This variant has been identified in the homozygous state and/or in conjunction with other CFTR variant(s) in individual(s) with features consistent with cystic fibrosis (Zitkiewicz E et al. PLoS One, 2014 Feb;9:e89094). This variant has been reported in multiple individuals with an elevated sweat chloride level in The Clinical and Functional TRanslation of CFTR (CFTR2) database (available at CFTR2. Accessed 01/20/2026). RNA studies have demonstrated that this variant results in abnormal splicing in the set of samples tested in The Clinical and Functional TRanslation of CFTR (CFTR2) database (available at CFTR2. Accessed 01/20/2026). This nucleotide position is highly conserved in available vertebrate species. In silico splice site analysis predicts that this alteration will weaken the native splice donor site. This variant is considered to be rare based on population cohorts in the Genome Aggregation Database (gnomAD). Based on the supporting evidence, this variant is interpreted as a disease-causing mutation.

Natera, Inc.
Classification: Pathogenic for CFTR-related disorders. Last evaluated: 2025-08-18. Review status: criteria provided, single submitter. Criteria: Natera Variant Classification Schema (03/2026). Collection method: clinical testing. Allele origin: germline. Not counted in ClinVar's aggregate classification.
Comment: The c.3468+2dupT variant in CFTR is a canonical splice donor site variant predicted to affect pre-mRNA splicing, which may result in an abnormal transcript and altered protein product. This variant is rare in the general population with a frequency below the threshold expected for the associated phenotype(s). This variant has been observed in one or more individuals affected with the associated recessive disease, as either homozygous or compound heterozygous with a second variant (PMID: 24586523). Computational prediction algorithms indicate this variant is likely to affect gene or protein function. Given the available evidence, this variant is classified as Pathogenic.

Baylor Genetics
Classification: Likely pathogenic for Bronchiectasis with or without elevated sweat chloride 1. Last evaluated: 2024-01-13. Review status: criteria provided, single submitter. Criteria: ACMG Guidelines, 2015. Collection method: clinical testing. Allele origin: unknown. Not counted in ClinVar's aggregate classification.

Institute of Human Genetics, University of Leipzig Medical Center
Classification: Pathogenic for Cystic fibrosis. Last evaluated: 2022-09-05. Review status: criteria provided, single submitter. Criteria: ACMG Guidelines, 2015. Collection method: curation. Allele origin: unknown. Affected: yes. Observed: 7 variant alleles. Not counted in ClinVar's aggregate classification.
Comment: This variant was identified in 7 unrelated patients with a clinically confirmed diagnosis of cystic fibrosis. The variant was classified in the context of a project re-classifying variants in the German Cystic Fibrosis Registry (Muko.e.V.). Criteria applied: PVS1, PS3_SUP, PM2_SUP, PM3_VSTR, PP4

Women's Health and Genetics/Laboratory Corporation of America, LabCorp
Classification: Pathogenic for Cystic fibrosis. Last evaluated: 2022-01-27. Review status: criteria provided, single submitter. Criteria: LabCorp Variant Classification Summary - May 2015. Collection method: clinical testing. Allele origin: germline. Not counted in ClinVar's aggregate classification.
Comment: Variant summary: CFTR c.3468+2dupT (also called as 3600+2insT or c.3468+2_3468+3insT, according to an older nomenclature) alters a nucleotide located close to a canonical splice site and therefore could affect mRNA splicing, leading to a significantly altered protein sequence. Several computational tools predict a significant impact on normal splicing: four predict the variant abolishes a 5' splicing donor site. At least one publication reported experimental evidence confirming in a mini-gene assay that this variant affects mRNA splicing, and demonstrated no detectable protein in transfected HEK293 cells (Joynt_2020). The variant was absent in 250770 control chromosomes (gnomAD). c.3468+2dupT has been reported in the literature in multiple individuals affected with Cystic Fibrosis (e.g. Van Biervliet 2007, Krenkova 2012, Zietkiewicz 2014, Medza_2021). These data indicate that the variant is very likely to be associated with disease. Four clinical diagnostic laboratories (including an expert panel, CFTR2) have submitted clinical-significance assessments for this variant to ClinVar after 2014 without evidence for independent evaluation, and all laboratories classified the variant as pathogenic/likely pathogenic, and the expert panel has classified the variant pathogenic. Based on the evidence outlined above, the variant was classified as pathogenic.

Mendelics
Classification: Pathogenic for Cystic fibrosis. Last evaluated: 2018-11-05. Review status: criteria provided, single submitter. Criteria: Mendelics Assertion Criteria 2017. Collection method: clinical testing. Allele origin: unknown. Affected: yes. Not counted in ClinVar's aggregate classification.

Eurofins Ntd Llc (ga)
Classification: Likely pathogenic. Last evaluated: 2016-12-27. Review status: criteria provided, single submitter. Criteria: EGL Classification Definitions 2015. Collection method: clinical testing. Allele origin: germline. Observed: 1 variant allele, 1 heterozygote. Not counted in ClinVar's aggregate classification.

Literature cited by the submitters: PubMed 24586523 (cited by 3 submitters); PubMed 14685937 (cited by Women's Health and Genetics/Laboratory Corporation of America, LabCorp); PubMed 18227622 (cited by Women's Health and Genetics/Laboratory Corporation of America, LabCorp); PubMed 23276700 (cited by Women's Health and Genetics/Laboratory Corporation of America, LabCorp); PubMed 33085659 (cited by Women's Health and Genetics/Laboratory Corporation of America, LabCorp); PubMed 33919435 (cited by Women's Health and Genetics/Laboratory Corporation of America, LabCorp).